The following is an entry in ClinVar:

ClinVar aggregate classification (germline): Likely benign. Review status: criteria provided, single submitter (1 of 4 stars). 2 submissions from 2 submitters: Likely benign (1). 1 of the submissions does not count toward it. Last evaluated 2024-05-09.

Conditions:
ABCG5-related disorder. Also called: ABCG5-related condition.
Sitosterolemia (STSL). Also called: PHYTOSTEROLEMIA. Identifiers: Orphanet 2882, MedGen C0342907, MONDO:0008863.

Allele frequency attached by ClinVar (database versions not stated): gnomAD exomes 0.00001.

Submissions (2):

Labcorp Genetics (formerly Invitae), Labcorp
Classification: Likely benign for Sitosterolemia. Last evaluated: 2024-05-09. Review status: criteria provided, single submitter. Criteria: Invitae Variant Classification Sherloc (09022015). Collection method: clinical testing. Allele origin: germline.

PreventionGenetics, part of Exact Sciences
Classification: Likely benign for ABCG5-related condition. Last evaluated: 2019-07-10. Review status: no assertion criteria provided. Collection method: clinical testing. Allele origin: germline. Not counted in ClinVar's aggregate classification.
Comment: This variant is classified as likely benign based on ACMG/AMP sequence variant interpretation guidelines (Richards et al. 2015 PMID: 25741868, with internal and published modifications).

NM_022436.3(ABCG5):c.207C>T (p.Leu69=)

Gene: ABCG5 (ATP binding cassette subfamily G member 5; minus strand). Cytogenetic location: 2p21.
Variant type: single nucleotide variant.
Coding change: c.207C>T on transcript NM_022436.3 (MANE Select); coding-DNA position 207, C replaced by T.
Protein change: p.Leu69=; no amino-acid change (leucine 69 retained).
Molecular consequence: synonymous variant.
Genome position (GRCh38, 1-based): chr2:43,837,892, G>A on the plus strand (C>T on the coding strand, the complement: ABCG5 is on the minus strand). VCF-style: chr2-43837892-G-A. GRCh37 (hg19) VCF-style: chr2-44065031-G-A.
Identifiers: ClinVar variation 3050743 (VCV003050743.4), dbSNP rs866321664, ClinGen allele CA46425288.